The following is an entry in ClinVar:

NM_000287.4(PEX6):c.84G>A (p.Pro28=)

Gene: PEX6 (peroxisomal biogenesis factor 6; minus strand). Cytogenetic location: 6p21.1.
Variant type: single nucleotide variant.
Coding change: c.84G>A on transcript NM_000287.4 (MANE Select); coding-DNA position 84, G replaced by A.
Protein change: p.Pro28=; no amino-acid change (proline 28 retained).
Molecular consequence: synonymous variant. On other transcripts: non-coding transcript variant (1).
Genome position (GRCh38, 1-based): chr6:42,979,067, C>T on the plus strand (G>A on the coding strand, the complement: PEX6 is on the minus strand). VCF-style: chr6-42979067-C-T. GRCh37 (hg19) VCF-style: chr6-42946805-C-T.
Other names: c.84G>A, p.Pro28= (NM_001316313.2); c.84G>A (NM_000287.3).
Identifiers: ClinVar variation 1144387 (VCV001144387.12), dbSNP rs1236425028, ClinGen allele CA450366279.

ClinVar aggregate classification (germline): Likely benign. Review status: criteria provided, multiple submitters, no conflicts (2 of 4 stars). 3 submissions from 3 submitters: Likely benign (2). 1 of the submissions does not count toward it. Last evaluated 2025-12-06.

Conditions:
PEX6-related disorder. Also called: PEX6-related disorders; PEX6-related condition.
Peroxisome biogenesis disorder. Identifiers: Orphanet 79189, MedGen C1832200, MONDO:0019234. Disease mechanism: loss of function.

Allele frequency attached by ClinVar (database versions not stated): gnomAD 0.00001; gnomAD exomes 0.00002 and 0.00004; TOPMed 0.00003.
gnomAD v4.1: 30 of 1,539,114 alleles (0.0019%); highest among the groups gnomAD compares: Admixed American, 0.014%; no homozygotes.

Submissions (3):

Labcorp Genetics (formerly Invitae), Labcorp
Classification: Likely benign for Peroxisome biogenesis disorder. Last evaluated: 2025-12-06. Review status: criteria provided, single submitter. Criteria: Invitae Variant Classification Sherloc (09022015). Collection method: clinical testing. Allele origin: germline.

Blueprint Genetics
Classification: Likely benign. Last evaluated: 2024-04-26. Review status: criteria provided, single submitter. Criteria: ACMG Guidelines, 2015. Collection method: clinical testing. Allele origin: germline.

PreventionGenetics, part of Exact Sciences
Classification: Likely benign for PEX6-related condition. Last evaluated: 2024-06-23. Review status: no assertion criteria provided. Collection method: clinical testing. Allele origin: germline. Not counted in ClinVar's aggregate classification.
Comment: This variant is classified as likely benign based on ACMG/AMP sequence variant interpretation guidelines (Richards et al. 2015 PMID: 25741868, with internal and published modifications).